The following is an entry in ClinVar:

NM_016335.6(PRODH):c.1236C>A (p.Tyr412Ter)

Gene: PRODH (proline dehydrogenase 1; minus strand). Cytogenetic location: 22q11.21.
Variant type: single nucleotide variant.
Coding change: c.1236C>A on transcript NM_016335.6 (MANE Select); coding-DNA position 1236, C replaced by A.
Protein change: p.Tyr412Ter; replaces tyrosine 412 with a stop codon.
Molecular consequence: nonsense.
Genome position (GRCh38, 1-based): chr22:18,919,466, G>T on the plus strand (C>A on the coding strand, the complement: PRODH is on the minus strand). VCF-style: chr22-18919466-G-T. GRCh37 (hg19) VCF-style: chr22-18906979-G-T.
Other names: c.912C>A, p.Tyr304Ter (NM_001195226.2); short protein forms Y412*, Y304*.
Identifiers: ClinVar variation 521785 (VCV000521785.7), dbSNP rs772562722, ClinGen allele CA321315098.

ClinVar aggregate classification (germline): Pathogenic. Review status: criteria provided, multiple submitters, no conflicts (2 of 4 stars). 2 submissions from 2 submitters: Pathogenic (2). Last evaluated 2023-08-04.

Conditions:
Inborn genetic diseases. Identifiers: MedGen C0950123, MeSH D030342.
Proline dehydrogenase deficiency (HYRPRO1). Also called: PROLINE OXIDASE DEFICIENCY; Hyperprolinemia type 1. Identifiers: Orphanet 419, MedGen C0268529, MONDO:0009400, OMIM 239500.

Allele frequency attached by ClinVar (database versions not stated): gnomAD exomes 0.00001.

Submissions (2):

Labcorp Genetics (formerly Invitae), Labcorp
Classification: Pathogenic for Proline dehydrogenase deficiency. Last evaluated: 2023-08-04. Review status: criteria provided, single submitter. Criteria: Invitae Variant Classification Sherloc (09022015). Collection method: clinical testing. Allele origin: germline.
Comment: This sequence change creates a premature translational stop signal (p.Tyr412*) in the PRODH gene. It is expected to result in an absent or disrupted protein product. Loss-of-function variants in PRODH are known to be pathogenic (PMID: 12525555, 15662599, 19736351). This variant is present in population databases (rs772562722, gnomAD 0.01%). This variant has not been reported in the literature in individuals affected with PRODH-related conditions. ClinVar contains an entry for this variant (Variation ID: 521785). For these reasons, this variant has been classified as Pathogenic.

Ambry Genetics
Classification: Pathogenic for Inborn genetic diseases. Last evaluated: 2017-05-25. Review status: criteria provided, single submitter. Criteria: Ambry exome assertion method (8-5-2015). Collection method: clinical testing. Allele origin: germline. Affected: yes. Observed: 1 variant allele.

Literature cited by the submitters: PubMed 12525555 (cited by Labcorp Genetics (formerly Invitae), Labcorp); PubMed 15662599 (cited by Labcorp Genetics (formerly Invitae), Labcorp); PubMed 19736351 (cited by Labcorp Genetics (formerly Invitae), Labcorp).